The following is an entry in ClinVar:

ClinVar aggregate classification (germline): Likely pathogenic (1 of 4 stars; one submission).

Conditions:
Dilated cardiomyopathy 1G (CMD1G). Identifiers: Orphanet 154, MedGen C1858763, MONDO:0011400, OMIM 604145.
Autosomal recessive limb-girdle muscular dystrophy type 2J (LGMDR10). Also called: Limb-girdle muscular dystrophy, type 2J; MUSCULAR DYSTROPHY, LIMB-GIRDLE, AUTOSOMAL RECESSIVE 10. Identifiers: Orphanet 140922, MedGen C1837342, MONDO:0012127, OMIM 608807.

Submission:

Labcorp Genetics (formerly Invitae), Labcorp
Classification: Likely pathogenic for Dilated cardiomyopathy 1G; Autosomal recessive limb-girdle muscular dystrophy type 2J. Last evaluated: 2024-08-24. Review status: criteria provided, single submitter. Criteria: Invitae Variant Classification Sherloc (09022015). Collection method: clinical testing. Allele origin: germline.
Comment: This sequence change creates a premature translational stop signal (p.Leu25262Glnfs*6) in the TTN gene. While this is not anticipated to result in nonsense mediated decay, it is expected to create a truncated TTN protein. This variant is not present in population databases (gnomAD no frequency). This variant has not been reported in the literature in individuals affected with TTN-related conditions. This variant is located in the A band of TTN (PMID: 25589632). Truncating variants in this region are significantly overrepresented in patients affected with dilated cardiomyopathy (PMID: 25589632). Truncating variants in this region have also been reported in individuals affected with autosomal recessive centronuclear myopathy (PMID: 23975875). In summary, the currently available evidence indicates that the variant is pathogenic, but additional data are needed to prove that conclusively. Therefore, this variant has been classified as Likely Pathogenic.

Literature cited by the submitters: PubMed 25589632; PubMed 23975875.

NM_001267550.2(TTN):c.75785_75786del (p.Leu25262fs)

Genes: TTN (titin; minus strand), TTN-AS1 (TTN antisense RNA 1; plus strand). Cytogenetic location: 2q31.2.
Variant type: Microsatellite.
Coding change: c.75785_75786del on transcript NM_001267550.2 (MANE Select); coding-DNA positions 75785 to 75786, 2 bases deleted (TC; older notation c.75785_75786delTC).
Protein change: p.Leu25262fs; shifts the reading frame from leucine 25262.
Molecular consequence: frameshift variant.
Genome position (GRCh38, 1-based): chr2:178,570,346-178,570,347, GA deleted on the plus strand (TC on the coding strand, the reverse complement: TTN is on the minus strand); deleting any 2 consecutive bases within chr2:178,570,346-178,570,350 gives the same sequence; the c. name uses the placement nearest the transcript's 3' end. VCF-style (leftmost placement, unchanged base first): chr2-178570345-TGA-T. GRCh37 (hg19) VCF-style: chr2-179435072-TGA-T.
Other names: c.70862_70863del, p.Leu23621fs (NM_001256850.1); c.48590_48591del, p.Leu16197fs (NM_003319.4); c.68081_68082del, p.Leu22694fs (NM_133378.4); c.48965_48966del, p.Leu16322fs (NM_133432.3); c.49166_49167del, p.Leu16389fs (NM_133437.4); short protein forms L16197fs, L16322fs, L16389fs, L22694fs, L23621fs, L25262fs.
Identifiers: ClinVar variation 3757815 (VCV003757815.2).